The following is an entry in ClinVar:

ClinVar aggregate classification (germline): Uncertain significance (1 of 4 stars; one submission).

Conditions:
Inborn genetic diseases. Identifiers: MedGen C0950123, MeSH D030342.

gnomAD v4.1: 3 of 1,607,870 alleles (0.00019%); highest among the groups gnomAD compares: Non-Finnish European, 0.00025%; no homozygotes.

Submission:

Ambry Genetics
Classification: Uncertain significance for Inborn genetic diseases. Last evaluated: 2025-05-06. Review status: criteria provided, single submitter. Criteria: Ambry Variant Classification Scheme 2023. Collection method: clinical testing. Allele origin: germline.
Comment: The p.F190S variant (also known as c.569T>C), located in coding exon 8 of the ASXL1 gene, results from a T to C substitution at nucleotide position 569. The phenylalanine at codon 190 is replaced by serine, an amino acid with highly dissimilar properties. This amino acid position is conserved. In addition, this alteration is predicted to be tolerated by in silico analysis. Based on the available evidence, the clinical significance of this variant remains unclear.

NM_015338.6(ASXL1):c.569T>C (p.Phe190Ser)

Gene: ASXL1 (ASXL transcriptional regulator 1; plus strand). Cytogenetic location: 20q11.21.
Variant type: single nucleotide variant.
Coding change: c.569T>C on transcript NM_015338.6 (MANE Select); coding-DNA position 569, T replaced by C.
Protein change: p.Phe190Ser; replaces phenylalanine 190 with serine.
Molecular consequence: missense variant. On other transcripts: intron variant (1).
Genome position (GRCh38, 1-based): chr20:32,429,904, T>C. VCF-style: chr20-32429904-T-C. GRCh37 (hg19) VCF-style: chr20-31017707-T-C.
Other names: c.535+473T>C (NM_001363734.1); short protein forms F190S.
Identifiers: ClinVar variation 3956717 (VCV003956717.1).